The following is an entry in ClinVar:

NM_000528.4(MAN2B1):c.430C>T (p.Arg144Cys)

Gene: MAN2B1 (mannosidase alpha class 2B member 1; minus strand). Cytogenetic location: 19p13.13.
Variant type: single nucleotide variant.
Coding change: c.430C>T on transcript NM_000528.4 (MANE Select); coding-DNA position 430, C replaced by T.
Protein change: p.Arg144Cys; replaces arginine 144 with cysteine.
Molecular consequence: missense variant.
Genome position (GRCh38, 1-based): chr19:12,665,358, G>A on the plus strand (C>T on the coding strand, the complement: MAN2B1 is on the minus strand). VCF-style: chr19-12665358-G-A. GRCh37 (hg19) VCF-style: chr19-12776172-G-A.
Other names: c.430C>T, p.Arg144Cys (NM_001173498.2); short protein forms R144C.
Identifiers: ClinVar variation 2163742 (VCV002163742.1), dbSNP rs765956818, ClinGen allele CA9226817.

ClinVar aggregate classification (germline): Uncertain significance (1 of 4 stars; one submission).

Conditions:
Deficiency of alpha-mannosidase (MANSA). Also called: Mannosidosis, alpha-, types I and II; LYSOSOMAL ALPHA-D-MANNOSIDASE DEFICIENCY; Alpha-Mannosidosis. Identifiers: Orphanet 61, MedGen C0024748, MONDO:0009561, OMIM 248500.

Allele frequency attached by ClinVar (database versions not stated): gnomAD exomes below 0.00001; ExAC 0.00002; gnomAD 0.00003; TOPMed 0.00003.
gnomAD v4.1: 8 of 1,605,538 alleles (0.0005%); highest among the groups gnomAD compares: African/African-American, 0.0053%; no homozygotes.

Submission:

Labcorp Genetics (formerly Invitae), Labcorp
Classification: Uncertain significance for Deficiency of alpha-mannosidase. Last evaluated: 2022-05-27. Review status: criteria provided, single submitter. Criteria: Invitae Variant Classification Sherloc (09022015). Collection method: clinical testing. Allele origin: germline.
Comment: This sequence change replaces arginine, which is basic and polar, with cysteine, which is neutral and slightly polar, at codon 144 of the MAN2B1 protein (p.Arg144Cys). This variant is present in population databases (rs765956818, gnomAD 0.01%). This variant has not been reported in the literature in individuals affected with MAN2B1-related conditions. Algorithms developed to predict the effect of missense changes on protein structure and function output the following: SIFT: "Tolerated"; PolyPhen-2: "Benign"; Align-GVGD: "Class C0". The cysteine amino acid residue is found in multiple mammalian species, which suggests that this missense change does not adversely affect protein function. In summary, the available evidence is currently insufficient to determine the role of this variant in disease. Therefore, it has been classified as a Variant of Uncertain Significance.